The following is an entry in ClinVar:

ClinVar aggregate classification (germline): Uncertain significance (1 of 4 stars; one submission).

Conditions:
Hereditary cancer-predisposing syndrome. Also called: Neoplastic Syndromes, Hereditary; Tumor predisposition; Hereditary Cancer Syndrome; Hereditary neoplastic syndrome. Identifiers: Orphanet 140162, MedGen C0027672, MeSH D009386, MONDO:0015356.

Submission:

Color Diagnostics, LLC DBA Color Health
Classification: Uncertain significance for Hereditary cancer-predisposing syndrome. Last evaluated: 2023-12-05. Review status: criteria provided, single submitter. Criteria: ACMG Guidelines, 2015. Collection method: clinical testing. Allele origin: germline.
Comment: This missense variant replaces glutamine with histidine at codon 132 of the BMPR1A protein. Computational prediction is inconclusive regarding the impact of this variant on protein structure and function (internally defined REVEL score threshold 0.5 < inconclusive < 0.7, PMID: 27666373). To our knowledge, functional studies have not been reported for this variant. This variant has not been reported in individuals affected with BMPR1A-related disorders in the literature. This variant has not been identified in the general population by the Genome Aggregation Database (gnomAD). The available evidence is insufficient to determine the role of this variant in disease conclusively. Therefore, this variant is classified as a Variant of Uncertain Significance.

NM_004329.3(BMPR1A):c.396G>T (p.Gln132His)

Gene: BMPR1A (bone morphogenetic protein receptor type 1A; plus strand). Cytogenetic location: 10q23.2.
Variant type: single nucleotide variant.
Coding change: c.396G>T on transcript NM_004329.3 (MANE Select); coding-DNA position 396, G replaced by T.
Protein change: p.Gln132His; replaces glutamine 132 with histidine.
Molecular consequence: missense variant.
Genome position (GRCh38, 1-based): chr10:86,899,856, G>T. VCF-style: chr10-86899856-G-T. GRCh37 (hg19) VCF-style: chr10-88659613-G-T.
Other names: short protein forms Q132H.
Identifiers: ClinVar variation 920594 (VCV000920594.4), dbSNP rs1564717712, ClinGen allele CA377449692.
Genomic context (GRCh38, chr10:86,899,856, plus strand): 5'-TTCTCCAAAAGCCCAGCTACGCCGGACAATAGAATGTTGTCGGACCAATTTATGTAACCA[G>T]TATTTGCAACCCACACTGCCCCCTGTTGTCATAGGTAGGTTAGCCGAGAAAAGTCGGAGC-3'
Protein context (NP_004320.2, residues 122-142): IECCRTNLCN[Gln132His]YLQPTLPPVV